The following is an entry in ClinVar:

NM_000553.6(WRN):c.3350A>C (p.Lys1117Thr)

Gene: WRN (WRN RecQ like helicase; plus strand). Cytogenetic location: 8p12.
Variant type: single nucleotide variant.
Coding change: c.3350A>C on transcript NM_000553.6 (MANE Select); coding-DNA position 3350, A replaced by C.
Protein change: p.Lys1117Thr; replaces lysine 1117 with threonine.
Molecular consequence: missense variant.
Genome position (GRCh38, 1-based): chr8:31,143,590, A>C. VCF-style: chr8-31143590-A-C. GRCh37 (hg19) VCF-style: chr8-31001106-A-C.
Other names: short protein forms K1117T.
Identifiers: ClinVar variation 852509 (VCV000852509.2), dbSNP rs771167567, ClinGen allele CA4705022.
Genomic context (GRCh38, chr8:31,143,590, plus strand): 5'-CTTTATATGTTTAAATGCAGTCTAACTTGGAGAAGTTATATTCTTATAAACCATGTGATA[A>C]GATTTCTTCTGGGAGTAACATTTCTAAAAAAAGGTACAGAGTTCCATATTTCTATGTTCT-3'
Protein context (NP_000544.2, residues 1107-1127): EKLYSYKPCD[Lys1117Thr]ISSGSNISKK

ClinVar aggregate classification (germline): Uncertain significance (1 of 4 stars; one submission).

Conditions:
Werner syndrome (WRN). Identifiers: Orphanet 902, MedGen C0043119, MONDO:0010196, OMIM 277700.

Allele frequency attached by ClinVar (database versions not stated): gnomAD exomes below 0.00001; ExAC 0.00001.
gnomAD v4.1: 1 of 1,591,318 alleles (0.000063%); no homozygotes.

Submission:

Labcorp Genetics (formerly Invitae), Labcorp
Classification: Uncertain significance for Werner syndrome. Last evaluated: 2019-01-05. Review status: criteria provided, single submitter. Criteria: Invitae Variant Classification Sherloc (09022015). Collection method: clinical testing. Allele origin: germline.
Comment: This sequence change replaces lysine with threonine at codon 1117 of the WRN protein (p.Lys1117Thr). The lysine residue is moderately conserved and there is a moderate physicochemical difference between lysine and threonine. This variant is present in population databases (rs771167567, ExAC 0.002%). This variant has not been reported in the literature in individuals with WRN-related conditions. Algorithms developed to predict the effect of missense changes on protein structure and function are either unavailable or do not agree on the potential impact of this missense change (SIFT: Tolerated; PolyPhen-2: Possibly Damaging; Align-GVGD: C0). In summary, the available evidence is currently insufficient to determine the role of this variant in disease. Therefore, it has been classified as a Variant of Uncertain Significance.